The following is an entry in ClinVar:

NM_001199107.2(TBC1D24):c.*188C>T

Gene: TBC1D24 (TBC1 domain family member 24; plus strand). Cytogenetic location: 16p13.3.
Variant type: single nucleotide variant.
Coding change: c.*188C>T on transcript NM_001199107.2 (MANE Select); 188 bases downstream of the stop codon, C replaced by T.
Molecular consequence: 3 prime UTR variant.
Genome position (GRCh38, 1-based): chr16:2,501,146, C>T. VCF-style: chr16-2501146-C-T. GRCh37 (hg19) VCF-style: chr16-2551147-C-T.
Other names: c.*188C>T (NM_020705.3).
Identifiers: ClinVar variation 318625 (VCV000318625.7), dbSNP rs62040717, ClinGen allele CA10637411.

ClinVar aggregate classification (germline): Benign. Review status: criteria provided, multiple submitters, no conflicts (2 of 4 stars). 3 submissions from 3 submitters: Benign (3). Last evaluated 2018-06-14.

Conditions:
Familial infantile myoclonic epilepsy (FIME). Also called: TBC1D24-Related Familial Infantile Myoclonic Epilepsy (FIME); Epilepsy, Myoclonic, Infantile. Identifiers: Orphanet 352582, MedGen C0917800, MONDO:0011506, OMIM 605021.

Allele frequency attached by ClinVar (database versions not stated): 1000 Genomes Project 0.02835; TOPMed 0.05493; gnomAD 0.06494 and 0.06301; 1000 Genomes Project 30x 0.02686.
gnomAD v4.1: 50,373 of 699,132 alleles (7.2%); highest among the groups gnomAD compares: Non-Finnish European, 8.9%; 2,168 homozygotes.

Submissions (3):

GeneDx
Classification: Benign. Last evaluated: 2018-06-14. Review status: criteria provided, single submitter. Criteria: GeneDx Variant Classification Process June 2021. Collection method: clinical testing. Allele origin: germline. Affected: yes.

Illumina Laboratory Services, Illumina
Classification: Benign for Familial infantile myoclonic epilepsy. Last evaluated: 2018-01-13. Review status: criteria provided, single submitter. Criteria: ICSL Variant Classification Criteria 13 December 2019. Collection method: clinical testing. Allele origin: germline.
Comment: This variant was observed in the ICSL laboratory as part of a predisposition screen in an ostensibly healthy population. It had not been previously curated by ICSL or reported in the Human Gene Mutation Database (HGMD: prior to June 1st, 2018), and was therefore a candidate for classification through an automated scoring system. Utilizing variant allele frequency, disease prevalence and penetrance estimates, and inheritance mode, an automated score was calculated to assess if this variant is too frequent to cause the disease. Based on the score and internal cut-off values, a variant classified as benign is not then subjected to further curation. The score for this variant resulted in a classification of benign for this disease.

Breakthrough Genomics
Classification: Benign. Review status: criteria provided, single submitter. Criteria: ACMG Guidelines, 2015. Collection method: not provided. Allele origin: germline. Inheritance: Autosomal recessive inheritance. Affected: yes.